The following is an entry in ClinVar:

NM_003718.5(CDK13):c.218C>T (p.Ala73Val)

Genes: CDK13 (cyclin dependent kinase 13; plus strand), LOC129998292 (ATAC-STARR-seq lymphoblastoid silent region 18115; plus strand). Cytogenetic location: 7p14.1.
Variant type: single nucleotide variant.
Coding change: c.218C>T on transcript NM_003718.5 (MANE Select); coding-DNA position 218, C replaced by T.
Protein change: p.Ala73Val; replaces alanine 73 with valine.
Molecular consequence: missense variant.
Genome position (GRCh38, 1-based): chr7:39,950,859, C>T. VCF-style: chr7-39950859-C-T. GRCh37 (hg19) VCF-style: chr7-39990458-C-T.
Other names: c.218C>T (NM_003718.4); c.218C>T, p.Ala73Val (NM_031267.4); short protein forms A73V.
Identifiers: ClinVar variation 1696710 (VCV001696710.7), dbSNP rs1021210496, ClinGen allele CA157707130.

ClinVar aggregate classification (germline): Uncertain significance. Review status: criteria provided, multiple submitters, no conflicts (2 of 4 stars). 3 submissions from 3 submitters: Uncertain significance (3). Last evaluated 2025-02-08.

Conditions:
CDK13-related disorder. Also called: CDK13-related condition. Identifiers: MedGen C5816700.
Congenital heart defects, dysmorphic facial features, and intellectual developmental disorder (CHDFIDD). Identifiers: Orphanet 646278, MedGen C4479246, MONDO:0044302, OMIM 617360.

Allele frequency attached by ClinVar (database versions not stated): TOPMed below 0.00001.

Submissions (3):

PreventionGenetics, part of Exact Sciences
Classification: Uncertain significance for CDK13-related condition. Last evaluated: 2025-02-08. Review status: criteria provided, single submitter. Criteria: ACMG Guidelines, 2015. Collection method: clinical testing. Allele origin: germline.
Comment: The CDK13 c.218C>T variant is predicted to result in the amino acid substitution p.Ala73Val. To our knowledge, this variant has not been reported in the literature or in a large population database (gnomAD), indicating this variant is rare. At this time, the clinical significance of this variant is uncertain due to the absence of conclusive functional and genetic evidence.

Labcorp Genetics (formerly Invitae), Labcorp
Classification: Uncertain significance. Last evaluated: 2022-10-10. Review status: criteria provided, single submitter. Criteria: Invitae Variant Classification Sherloc (09022015). Collection method: clinical testing. Allele origin: germline.
Comment: In summary, the available evidence is currently insufficient to determine the role of this variant in disease. Therefore, it has been classified as a Variant of Uncertain Significance. Advanced modeling of protein sequence and biophysical properties (such as structural, functional, and spatial information, amino acid conservation, physicochemical variation, residue mobility, and thermodynamic stability) performed at Invitae indicates that this missense variant is not expected to disrupt CDK13 protein function. ClinVar contains an entry for this variant (Variation ID: 1696710). This variant has not been reported in the literature in individuals affected with CDK13-related conditions. This variant is not present in population databases (gnomAD no frequency). This sequence change replaces alanine, which is neutral and non-polar, with valine, which is neutral and non-polar, at codon 73 of the CDK13 protein (p.Ala73Val).

New York Genome Center
Classification: Uncertain significance for Congenital heart defects, dysmorphic facial features, and intellectual developmental disorder. Last evaluated: 2021-06-24. Review status: criteria provided, single submitter. Criteria: NYGC Assertion Criteria 2020. Collection method: clinical testing. Allele origin: inherited. Observed: 1 heterozygote. Study: CSER-NYCKidSeq.